The following is an entry in ClinVar:

NM_053025.4(MYLK):c.70G>T (p.Val24Phe)

Gene: MYLK (myosin light chain kinase; minus strand). Cytogenetic location: 3q21.1.
Variant type: single nucleotide variant.
Coding change: c.70G>T on transcript NM_053025.4 (MANE Select); coding-DNA position 70, G replaced by T.
Protein change: p.Val24Phe; replaces valine 24 with phenylalanine.
Molecular consequence: missense variant. On other transcripts: 5 prime UTR variant (1).
Genome position (GRCh38, 1-based): chr3:123,793,772, C>A on the plus strand (G>T on the coding strand, the complement: MYLK is on the minus strand). VCF-style: chr3-123793772-C-A. GRCh37 (hg19) VCF-style: chr3-123512619-C-A.
Other names: c.-251G>T (NM_001321309.2); c.70G>T, p.Val24Phe (NM_053026.4, NM_053027.4, NM_053028.4); short protein forms V24F.
Identifiers: ClinVar variation 1757181 (VCV001757181.18), dbSNP rs764755866, ClinGen allele CA073471.
Genomic context (GRCh38, chr3:123,793,772, plus strand): 5'-TGCAGAGGTTCCGAGGGGGCAAAATGAAAGCAGGGGCCTCTGTCAGGGGCATGGAGTCAA[C>A]TCTTGAGGGATCCACACTGAGGGAGGTTTTGGAAATGTGTGACGAGGCAACCAGCTTCAC-3'
Protein context (NP_444253.3, residues 14-34): KTSLSVDPSR[Val24Phe]DSMPLTEAPA

ClinVar aggregate classification (germline): Uncertain significance. Review status: criteria provided, multiple submitters, no conflicts (2 of 4 stars). 3 submissions from 3 submitters: Uncertain significance (3). Last evaluated 2024-10-01.

Conditions:
Familial thoracic aortic aneurysm and aortic dissection (TAAD). Also called: Thoracic aortic aneurysms and dissections. Identifiers: Orphanet 91387, MedGen C4707243, MONDO:0019625.
Aortic aneurysm, familial thoracic 7 (AAT7). Also called: AORTIC DISSECTION, FAMILIAL, WITH OR WITHOUT AORTIC ANEURYSM. Identifiers: MedGen C3151077, MONDO:0013418, OMIM 613780.

Allele frequency attached by ClinVar (database versions not stated): ExAC 0.00002; gnomAD 0.00002; TOPMed 0.00002.

Submissions (3):

CeGaT Center for Human Genetics Tuebingen
Classification: Uncertain significance. Last evaluated: 2024-10-01. Review status: criteria provided, single submitter. Criteria: CeGaT Center For Human Genetics Tuebingen Variant Classification Criteria Version 2. Collection method: clinical testing. Allele origin: germline. Affected: yes. Observed: 1 variant allele.
Comment: MYLK: PM2, BP4

Labcorp Genetics (formerly Invitae), Labcorp
Classification: Uncertain significance for Aortic aneurysm, familial thoracic 7. Last evaluated: 2024-03-01. Review status: criteria provided, single submitter. Criteria: Invitae Variant Classification Sherloc (09022015). Collection method: clinical testing. Allele origin: germline.
Comment: This sequence change replaces valine, which is neutral and non-polar, with phenylalanine, which is neutral and non-polar, at codon 24 of the MYLK protein (p.Val24Phe). This variant is present in population databases (rs764755866, gnomAD 0.004%). This variant has not been reported in the literature in individuals affected with MYLK-related conditions. ClinVar contains an entry for this variant (Variation ID: 1757181). Advanced modeling of protein sequence and biophysical properties (such as structural, functional, and spatial information, amino acid conservation, physicochemical variation, residue mobility, and thermodynamic stability) performed at Invitae indicates that this missense variant is not expected to disrupt MYLK protein function with a negative predictive value of 95%. In summary, the available evidence is currently insufficient to determine the role of this variant in disease. Therefore, it has been classified as a Variant of Uncertain Significance.

Ambry Genetics
Classification: Uncertain significance for Familial thoracic aortic aneurysm and aortic dissection. Last evaluated: 2021-09-30. Review status: criteria provided, single submitter. Criteria: Ambry Variant Classification Scheme 2023. Collection method: clinical testing. Allele origin: germline.
Comment: The p.V24F variant (also known as c.70G>T), located in coding exon 1 of the MYLK gene, results from a G to T substitution at nucleotide position 70. The valine at codon 24 is replaced by phenylalanine, an amino acid with highly similar properties. This amino acid position is conserved. In addition, this alteration is predicted to be tolerated by in silico analysis. Since supporting evidence is limited at this time, the clinical significance of this alteration remains unclear.